The following is an entry in ClinVar:

ClinVar aggregate classification (germline): Conflicting classifications of pathogenicity. Review status: criteria provided, conflicting classifications (1 of 4 stars). 6 submissions from 6 submitters: Uncertain significance (5); Likely benign (1). Last evaluated 2026-07-01.

Conditions:
Inborn genetic diseases. Identifiers: MedGen C0950123, MeSH D030342.
Ullrich congenital muscular dystrophy 2 (UCMD2). Identifiers: Orphanet 75840, MedGen C4225314, MONDO:0014654, OMIM 616470.
Bethlem myopathy 2 (BTHLM2). Identifiers: Orphanet 536516, Orphanet 610, MedGen C4225313, MONDO:0034022, OMIM 616471.

Allele frequency attached by ClinVar (database versions not stated): TOPMed 0.00005.
gnomAD v4.1: 67 of 1,609,914 alleles (0.0042%); highest among the groups gnomAD compares: Non-Finnish European, 0.0053%; no homozygotes.

Submissions (6):

CeGaT Center for Human Genetics Tuebingen
Classification: Uncertain significance. Last evaluated: 2026-07-01. Review status: criteria provided, single submitter. Criteria: CeGaT Center For Human Genetics Tuebingen Variant Classification Criteria Version 2. Collection method: clinical testing. Allele origin: germline. Affected: yes. Observed: 2 variant alleles.
Comment: COL12A1: PM2

Labcorp Genetics (formerly Invitae), Labcorp
Classification: Likely benign for Bethlem myopathy 2; Ullrich congenital muscular dystrophy 2. Last evaluated: 2025-11-01. Review status: criteria provided, single submitter. Criteria: Invitae Variant Classification Sherloc (09022015). Collection method: clinical testing. Allele origin: germline.

Mayo Clinic Laboratories, Mayo Clinic
Classification: Uncertain significance. Last evaluated: 2025-10-19. Review status: criteria provided, single submitter. Criteria: ACMG Guidelines, 2015. Collection method: clinical testing. Allele origin: germline. Observed: 1 variant allele.
Comment: BP4_moderate

Women's Health and Genetics/Laboratory Corporation of America, LabCorp
Classification: Uncertain significance. Last evaluated: 2025-08-20. Review status: criteria provided, single submitter. Criteria: LabCorp Variant Classification Summary - May 2015. Collection method: clinical testing. Allele origin: germline.
Comment: Variant summary: COL12A1 c.3466A>C (p.Asn1156His) results in a conservative amino acid change located in the Fibronectin type 3 repeat domain (IPR003961) of the encoded protein sequence. Algorithms developed to predict the effect of missense changes on protein structure and function are either unavailable or do not agree on the potential impact of this missense change. The variant allele was found at a frequency of 2.4e-05 in 247522 control chromosomes. The available data on variant occurrences in the general population are insufficient to allow any conclusion about variant significance. To our knowledge, no occurrence of c.3466A>C in individuals affected with Ullrich congenital muscular dystrophy 2 and no experimental evidence demonstrating its impact on protein function have been reported. ClinVar contains an entry for this variant (Variation ID: 840806). Based on the evidence outlined above, the variant was classified as uncertain significance.

Ambry Genetics
Classification: Uncertain significance for Inborn genetic diseases. Last evaluated: 2024-12-06. Review status: criteria provided, single submitter. Criteria: Ambry Variant Classification Scheme 2023. Collection method: clinical testing. Allele origin: germline.

GeneDx
Classification: Uncertain significance. Last evaluated: 2023-08-22. Review status: criteria provided, single submitter. Criteria: GeneDx Variant Classification Process June 2021. Collection method: clinical testing. Allele origin: germline. Affected: yes.
Comment: Has not been previously published as pathogenic or benign to our knowledge; In silico analysis supports that this missense variant does not alter protein structure/function

NM_004370.6(COL12A1):c.3466A>C (p.Asn1156His)

Gene: COL12A1 (collagen type XII alpha 1 chain; minus strand). Cytogenetic location: 6q13.
Variant type: single nucleotide variant.
Coding change: c.3466A>C on transcript NM_004370.6 (MANE Select); coding-DNA position 3466, A replaced by C.
Protein change: p.Asn1156His; replaces asparagine 1156 with histidine.
Molecular consequence: missense variant. On other transcripts: intron variant (1).
Genome position (GRCh38, 1-based): chr6:75,154,515, T>G on the plus strand (A>C on the coding strand, the complement: COL12A1 is on the minus strand). VCF-style: chr6-75154515-T-G. GRCh37 (hg19) VCF-style: chr6-75864231-T-G.
Other names: p.Asn1156His; c.74-2033A>C (NM_080645.3); short protein forms N1156H.
Identifiers: ClinVar variation 840806 (VCV000840806.20), dbSNP rs764153192, ClinGen allele CA3893706.